The following is an entry in ClinVar:

ClinVar aggregate classification (germline): Uncertain significance. Review status: criteria provided, multiple submitters, no conflicts (2 of 4 stars). 2 submissions from 2 submitters: Uncertain significance (2). Last evaluated 2024-12-21.

Conditions:
Inborn genetic diseases. Identifiers: MedGen C0950123, MeSH D030342.

Allele frequency attached by ClinVar (database versions not stated): gnomAD 0.00006 and 0.00007; ESP Exome Variant Server 0.00008; TOPMed 0.00008; ExAC 0.00009.
gnomAD v4.1: 61 of 1,611,584 alleles (0.0038%); highest among the groups gnomAD compares: Middle Eastern, 0.016%; 1 homozygote.

Submissions (2):

Ambry Genetics
Classification: Uncertain significance for Inborn genetic diseases. Last evaluated: 2024-12-21. Review status: criteria provided, single submitter. Criteria: Ambry Variant Classification Scheme 2023. Collection method: clinical testing. Allele origin: germline.

Labcorp Genetics (formerly Invitae), Labcorp
Classification: Uncertain significance. Last evaluated: 2022-09-27. Review status: criteria provided, single submitter. Criteria: Invitae Variant Classification Sherloc (09022015). Collection method: clinical testing. Allele origin: germline.
Comment: This sequence change replaces methionine, which is neutral and non-polar, with threonine, which is neutral and polar, at codon 367 of the GPR179 protein (p.Met367Thr). This variant is present in population databases (rs376804518, gnomAD 0.02%). This variant has not been reported in the literature in individuals affected with GPR179-related conditions. ClinVar contains an entry for this variant (Variation ID: 1507912). Algorithms developed to predict the effect of missense changes on protein structure and function (SIFT, PolyPhen-2, Align-GVGD) all suggest that this variant is likely to be tolerated. In summary, the available evidence is currently insufficient to determine the role of this variant in disease. Therefore, it has been classified as a Variant of Uncertain Significance.

NM_001004334.4(GPR179):c.1100T>C (p.Met367Thr)

Gene: GPR179 (G protein-coupled receptor 179; minus strand). Cytogenetic location: 17q12.
Variant type: single nucleotide variant.
Coding change: c.1100T>C on transcript NM_001004334.4 (MANE Select); coding-DNA position 1100, T replaced by C.
Protein change: p.Met367Thr; replaces methionine 367 with threonine.
Molecular consequence: missense variant.
Genome position (GRCh38, 1-based): chr17:38,337,105, A>G on the plus strand (T>C on the coding strand, the complement: GPR179 is on the minus strand). VCF-style: chr17-38337105-A-G. GRCh37 (hg19) VCF-style: chr17-36492988-A-G.
Other names: c.1100T>C (NM_001004334.2); short protein forms M367T.
Identifiers: ClinVar variation 1507912 (VCV001507912.4), dbSNP rs376804518, ClinGen allele CA290109387.